The following is an entry in ClinVar:

ClinVar aggregate classification (germline): Pathogenic (1 of 4 stars; one submission).

Conditions:
Ataxia-telangiectasia syndrome (AT). Also called: ATAXIA-TELANGIECTASIA, COMPLEMENTATION GROUP A; ATAXIA-TELANGIECTASIA, FRESNO VARIANT; Ataxia-telangiectasia, complementation group E; Ataxia telangiectasia (A-T); LOUIS-BAR SYNDROME; Cerebello-oculocutaneous telangiectasia. Identifiers: Orphanet 100, MedGen C0004135, MONDO:0008840, OMIM 208900.

Submission:

Labcorp Genetics (formerly Invitae), Labcorp
Classification: Pathogenic for Ataxia-telangiectasia syndrome. Last evaluated: 2020-07-16. Review status: criteria provided, single submitter. Criteria: Invitae Variant Classification Sherloc (09022015). Collection method: clinical testing. Allele origin: germline.
Comment: This variant is an out-of-frame deletion of the genomic region encompassing exon(s) 5-26 of the ATM gene. This is expected to create a premature translational stop signal and result in an absent or disrupted protein product. This variant has not been reported in the literature in individuals with ATM-related conditions. Loss-of-function variants in ATM are known to be pathogenic (PMID: 23807571, 25614872). For these reasons, this variant has been classified as Pathogenic.

Literature cited by the submitters: PubMed 23807571; PubMed 25614872.

NC_000011.10:g.(?_108235660)_(108284483_?)del

Gene: ATM (ATM serine/threonine kinase; plus strand). Cytogenetic location: 11q22.3.
Variant type: Deletion.
Identifiers: ClinVar variation 831020 (VCV000831020.3).